The following is an entry in ClinVar:

NM_000132.4(F8):c.2831del (p.Lys944fs)

Gene: F8 (coagulation factor VIII; minus strand). Cytogenetic location: Xq28.
Variant type: Deletion.
Coding change: c.2831del on transcript NM_000132.4 (MANE Select); coding-DNA position 2831, one base deleted (A; older notation c.2831delA).
Protein change: p.Lys944fs; shifts the reading frame from lysine 944.
Molecular consequence: frameshift variant.
Genome position (GRCh38, 1-based): chrX:154,930,959, T deleted on the plus strand (A on the coding strand, the reverse complement: F8 is on the minus strand); the first of 5 consecutive T bases (chrX:154,930,959-154,930,963); deleting any one gives the same sequence. VCF-style (leftmost placement, unchanged base first): chrX-154930958-CT-C. GRCh37 (hg19) VCF-style: chrX-154159233-CT-C.
Other names: short protein forms K944fs.
Identifiers: ClinVar variation 3777394 (VCV003777394.1).

ClinVar aggregate classification (germline): Pathogenic (1 of 4 stars; one submission).

Submission:

GeneDx
Classification: Pathogenic. Last evaluated: 2024-10-14. Review status: criteria provided, single submitter. Criteria: GeneDx Variant Classification Process June 2021. Collection method: clinical testing. Allele origin: germline. Affected: yes.
Comment: Frameshift variant predicted to result in protein truncation or nonsense mediated decay in a gene for which loss of function is a known mechanism of disease; Not observed at significant frequency in large population cohorts (gnomAD); This variant is associated with the following publications: (PMID: 36833187)